The following is an entry in ClinVar:

ClinVar aggregate classification (germline): Uncertain significance (1 of 4 stars; one submission).

gnomAD v4.1: 23 of 1,613,668 alleles (0.0014%); highest among the groups gnomAD compares: Non-Finnish European, 0.0019%; no homozygotes.

Submission:

Labcorp Genetics (formerly Invitae), Labcorp
Classification: Uncertain significance. Last evaluated: 2025-03-18. Review status: criteria provided, single submitter. Criteria: Invitae Variant Classification Sherloc (09022015). Collection method: clinical testing. Allele origin: germline.
Comment: This sequence change replaces alanine, which is neutral and non-polar, with serine, which is neutral and polar, at codon 102 of the WDR1 protein (p.Ala102Ser). This variant is present in population databases (no rsID available, gnomAD 0.007%). This variant has not been reported in the literature in individuals affected with WDR1-related conditions. An algorithm developed to predict the effect of missense changes on protein structure and function (PolyPhen-2) suggests that this variant is likely to be tolerated. In summary, the available evidence is currently insufficient to determine the role of this variant in disease. Therefore, it has been classified as a Variant of Uncertain Significance.

NM_017491.5(WDR1):c.304G>T (p.Ala102Ser)

Gene: WDR1 (WD repeat domain 1; minus strand). Cytogenetic location: 4p16.1.
Variant type: single nucleotide variant.
Coding change: c.304G>T on transcript NM_017491.5 (MANE Select); coding-DNA position 304, G replaced by T.
Protein change: p.Ala102Ser; replaces alanine 102 with serine.
Molecular consequence: missense variant. On other transcripts: intron variant (1).
Genome position (GRCh38, 1-based): chr4:10,099,065, C>A on the plus strand (G>T on the coding strand, the complement: WDR1 is on the minus strand). VCF-style: chr4-10099065-C-A. GRCh37 (hg19) VCF-style: chr4-10100689-C-A.
Other names: c.139-10324G>T (NM_005112.5); short protein forms A102S.
Identifiers: ClinVar variation 4781999 (VCV004781999.1).
Genomic context (GRCh38, chr4:10,099,065, plus strand): 5'-CCCCGACCACGGCGATCCTCTTACTGTCTTCAGTCCAAGCAATGTCTTTGATCTTCCCAG[C>A]GAAAGGCTGGTACTCATACTTCAACAGGTGCTCCTTCTGCGTGGTATCCCAGATCCTCAG-3'
Protein context (NP_059830.1, residues 92-112): HLLKYEYQPF[Ala102Ser]GKIKDIAWTE